The following is an entry in ClinVar:

ClinVar aggregate classification (germline): Uncertain significance (1 of 4 stars; one submission).

gnomAD v4.1: 26 of 1,605,218 alleles (0.0016%); highest among the groups gnomAD compares: Admixed American, 0.0035%; no homozygotes.

Submission:

ARUP Laboratories, Molecular Genetics and Genomics, ARUP Laboratories
Classification: Uncertain significance. Last evaluated: 2025-04-21. Review status: criteria provided, single submitter. Criteria: ARUP Molecular Germline Variant Investigation Process 2024. Collection method: clinical testing. Allele origin: germline.
Comment: The HIF1A c.203G>A; p.Arg68His variant (rs750216888), to our knowledge, is not reported in the medical literature or gene specific databases. This variant is only observed on two alleles in the Genome Aggregation Database (v2.1.1), indicating it is not a common polymorphism. Computational analyses are uncertain whether this variant is neutral or deleterious (REVEL: 0.403). Due to limited information, the clinical significance of this variant is uncertain at this time.

NM_001530.4(HIF1A):c.203G>A (p.Arg68His)

Genes: HIF1A (hypoxia inducible factor 1 subunit alpha; plus strand), HIF1A-AS3 (HIF1A antisense RNA 3; minus strand). Cytogenetic location: 14q23.2.
Variant type: single nucleotide variant.
Coding change: c.203G>A on transcript NM_001530.4 (MANE Select); coding-DNA position 203, G replaced by A.
Protein change: p.Arg68His; replaces arginine 68 with histidine.
Molecular consequence: missense variant.
Genome position (GRCh38, 1-based): chr14:61,720,549, G>A. VCF-style: chr14-61720549-G-A. GRCh37 (hg19) VCF-style: chr14-62187267-G-A.
Other names: c.275G>A, p.Arg92His (NM_001243084.2); c.203G>A, p.Arg68His (NM_181054.3); short protein forms R68H, R92H.
Identifiers: ClinVar variation 4685772 (VCV004685772.1).